The following is an entry in ClinVar:

ClinVar aggregate classification (germline): Uncertain significance (1 of 4 stars; one submission).

Submission:

Labcorp Genetics (formerly Invitae), Labcorp
Classification: Uncertain significance. Last evaluated: 2022-04-29. Review status: criteria provided, single submitter. Criteria: Invitae Variant Classification Sherloc (09022015). Collection method: clinical testing. Allele origin: germline.
Comment: This variant is not present in population databases (gnomAD no frequency). In summary, the available evidence is currently insufficient to determine the role of this variant in disease. Therefore, it has been classified as a Variant of Uncertain Significance. Algorithms developed to predict the effect of sequence changes on RNA splicing suggest that this variant may create or strengthen a splice site. Algorithms developed to predict the effect of missense changes on protein structure and function (SIFT, PolyPhen-2, Align-GVGD) all suggest that this variant is likely to be tolerated. This variant has not been reported in the literature in individuals affected with ENPP1-related conditions. This sequence change replaces glutamic acid, which is acidic and polar, with aspartic acid, which is acidic and polar, at codon 144 of the ENPP1 protein (p.Glu144Asp).

NM_006208.3(ENPP1):c.432A>T (p.Glu144Asp)

Gene: ENPP1 (ectonucleotide pyrophosphatase/phosphodiesterase 1; plus strand). Cytogenetic location: 6q23.2.
Variant type: single nucleotide variant.
Coding change: c.432A>T on transcript NM_006208.3 (MANE Select); coding-DNA position 432, A replaced by T.
Protein change: p.Glu144Asp; replaces glutamic acid 144 with aspartic acid.
Molecular consequence: missense variant.
Genome position (GRCh38, 1-based): chr6:131,851,143, A>T. VCF-style: chr6-131851143-A-T. GRCh37 (hg19) VCF-style: chr6-132172283-A-T.
Other names: short protein forms E144D.
Identifiers: ClinVar variation 2131755 (VCV002131755.4), dbSNP rs2483461490, ClinGen allele CA365660892.